The following is an entry in ClinVar:

ClinVar aggregate classification (germline): Pathogenic (1 of 4 stars; one submission).

Conditions:
Spinal muscular atrophy-progressive myoclonic epilepsy syndrome. Also called: Spinal muscular atrophy with progressive myoclonic epilepsy; Hereditary myoclonus and progressive distal muscular atrophy; MYOCLONUS, HEREDITARY, WITH PROGRESSIVE DISTAL MUSCULAR ATROPHY; Spinal Muscular Atrophy with Progressive Myoclonic Epilepsy (SMA-PME). Identifiers: Orphanet 2590, MedGen C1834569, MONDO:0008045, OMIM 159950.
Farber lipogranulomatosis (FRBRL). Also called: AC DEFICIENCY; ACID CERAMIDASE DEFICIENCY; CERAMIDASE DEFICIENCY; N-LAURYLSPHINGOSINE DEACYLASE DEFICIENCY; Farber's lipogranulomatosis; Farber's disease. Identifiers: Orphanet 333, MedGen C0268255, MONDO:0009218, OMIM 228000.

Allele frequency attached by ClinVar (database versions not stated): gnomAD exomes below 0.00001.

Submission:

Medical Affairs, Dicerna Pharmaceuticals
Classification: Pathogenic for Farber lipogranulomatosis; Spinal muscular atrophy-progressive myoclonic epilepsy syndrome. Last evaluated: 2019-06-19. Review status: criteria provided, single submitter. Criteria: ACMG Guidelines, 2015. Collection method: literature only. Allele origin: inherited. Inheritance: Autosomal recessive inheritance. Affected: yes. Observed: 1 variant allele.
Comment: The clinical significance of variant c.518A>T is pathogenic based on the following rationale. The patient described in Teoh et al., 2017, DOI: 10.1542/peds.2016-1068, presented with a unique combined Farber disease/SMA-PME phenotype as described in Gene Reviews. Whole exome sequencing revealed compound heterozygous variants, c.518A>T and c.594_599dupCTTCAA, in the ASAH1 gene. The c.518A>T variant which causes a N173I transition was analyzed using in silico analysis tools. The Asparagine is highly conserved across multiple species. In silico tools overall supported pathogenicity with a PolyPhen2 score of 0.958 (probably damaging), a sorting intolerant from tolerant score of 0.1 (tolerated), and a combined annotation dependent development score of 23.1. Acid ceramidase activity was measured using a leukocyte assay developed in the laboratory of Professor Edward Schuchman, at Mount Sinai, NY, and showed significantly decreased levels of enzyme activity when compared to the activity level in the parents verifying the pathogenicity of this variant.

Genetic testing for SMN1 mutations or deletions. Whole exome sequencing was carried out at the University of Washington Genome Center. The initial whole exome sequencing data analysis confirmed several hundred rare variants with an allele frequency of <1% in control databases. Only 2 genes had at least 2 rare variants within the coding sequence when analyzed for a potential compound heterozygous model, ASAH1 and UBQLN1. Only the variants in ASAH1 had consistent pathogenicity analyses, including an inframe insertion, (c.502G>T) (c.594_599dupCTTCAA).

Literature cited by the submitters: DOI 10.1542/peds.2016-1068.

NM_177924.5(ASAH1):c.518A>T (p.Asn173Ile)

Gene: ASAH1 (N-acylsphingosine amidohydrolase 1; minus strand). Cytogenetic location: 8p22.
Variant type: single nucleotide variant.
Coding change: c.518A>T on transcript NM_177924.5 (MANE Select); coding-DNA position 518, A replaced by T.
Protein change: p.Asn173Ile; replaces asparagine 173 with isoleucine.
Molecular consequence: missense variant.
Genome position (GRCh38, 1-based): chr8:18,062,409, T>A on the plus strand (A>T on the coding strand, the complement: ASAH1 is on the minus strand). VCF-style: chr8-18062409-T-A. GRCh37 (hg19) VCF-style: chr8-17919918-T-A.
Other names: c.500A>T, p.Asn167Ile (NM_001127505.3); c.323A>T, p.Asn108Ile (NM_001363743.2); c.566A>T, p.Asn189Ile (NM_004315.6); short protein forms N173I, N189I, N108I, N167I.
Identifiers: ClinVar variation 812480 (VCV000812480.1), dbSNP rs1588978873, ClinGen allele CA370430268.